The following is an entry in ClinVar:

ClinVar aggregate classification (germline): Uncertain significance (1 of 4 stars; one submission).

Conditions:
GATA binding protein 1 related thrombocytopenia with dyserythropoiesis. Also called: GATA1-Related X-Linked Cytopenia; GATA1-Related Cytopenia. Identifiers: MedGen C1845837, MONDO:0100089.
Diamond-Blackfan anemia. Also called: Blackfan Diamond syndrome; Aregenerative anemia chronic congenital; Red cell aplasia, pure hereditary; Congenital hypoplastic anemia; Aase syndrome. Identifiers: Orphanet 124, MedGen C1260899, MeSH D029503, MONDO:0015253, HP:0004810.

gnomAD v4.1: 1 of 1,203,245 alleles (0.000083%); no homozygotes.

Submission:

Labcorp Genetics (formerly Invitae), Labcorp
Classification: Uncertain significance for GATA binding protein 1 related thrombocytopenia with dyserythropoiesis; Diamond-Blackfan anemia. Last evaluated: 2024-08-29. Review status: criteria provided, single submitter. Criteria: Invitae Variant Classification Sherloc (09022015). Collection method: clinical testing. Allele origin: germline.
Comment: This sequence change replaces alanine, which is neutral and non-polar, with threonine, which is neutral and polar, at codon 68 of the GATA1 protein (p.Ala68Thr). This variant is not present in population databases (gnomAD no frequency). This variant has not been reported in the literature in individuals affected with GATA1-related conditions. Invitae Evidence Modeling of protein sequence and biophysical properties (such as structural, functional, and spatial information, amino acid conservation, physicochemical variation, residue mobility, and thermodynamic stability) indicates that this missense variant is not expected to disrupt GATA1 protein function with a negative predictive value of 80%. In summary, the available evidence is currently insufficient to determine the role of this variant in disease. Therefore, it has been classified as a Variant of Uncertain Significance.

NM_002049.4(GATA1):c.202G>A (p.Ala68Thr)

Gene: GATA1 (GATA binding protein 1; plus strand). Cytogenetic location: Xp11.23.
Variant type: single nucleotide variant.
Coding change: c.202G>A on transcript NM_002049.4 (MANE Select); coding-DNA position 202, G replaced by A.
Protein change: p.Ala68Thr; replaces alanine 68 with threonine.
Molecular consequence: missense variant.
Genome position (GRCh38, 1-based): chrX:48,791,311, G>A. VCF-style: chrX-48791311-G-A. GRCh37 (hg19) VCF-style: chrX-48649718-G-A.
Other names: short protein forms A68T.
Identifiers: ClinVar variation 3752908 (VCV003752908.2).